The following is an entry in ClinVar:

ClinVar aggregate classification (germline): Likely pathogenic (1 of 4 stars; one submission).

Conditions:
Dilated cardiomyopathy 1G (CMD1G). Identifiers: Orphanet 154, MedGen C1858763, MONDO:0011400, OMIM 604145.
Autosomal recessive limb-girdle muscular dystrophy type 2J (LGMDR10). Also called: Limb-girdle muscular dystrophy, type 2J; MUSCULAR DYSTROPHY, LIMB-GIRDLE, AUTOSOMAL RECESSIVE 10. Identifiers: Orphanet 140922, MedGen C1837342, MONDO:0012127, OMIM 608807.

Submission:

Labcorp Genetics (formerly Invitae), Labcorp
Classification: Likely pathogenic for Dilated cardiomyopathy 1G; Autosomal recessive limb-girdle muscular dystrophy type 2J. Last evaluated: 2025-02-07. Review status: criteria provided, single submitter. Criteria: Invitae Variant Classification Sherloc (09022015). Collection method: clinical testing. Allele origin: germline.
Comment: This sequence change affects a donor splice site in intron 53 of the TTN gene. It is expected to disrupt RNA splicing and likely results in a truncated or disrupted TTN protein. This variant is not present in population databases (gnomAD no frequency). Disruption of this splice site has been observed in individual(s) with autosomal recessive titinopathy (PMID: 32778822). Algorithms developed to predict the effect of sequence changes on RNA splicing suggest that this variant may disrupt the consensus splice site. This variant is located in the I band of TTN (PMID: 25589632). Truncating variants in this region have been reported in individuals affected with autosomal recessive centronuclear myopathy (PMID: 23975875, internal data). Truncating variants in this region have also been identified in individuals affected with autosomal dominant dilated cardiomyopathy and/or cardio-related conditions (PMID: 27869827, 32964742, internal data). In summary, the currently available evidence indicates that the variant is pathogenic, but additional data are needed to prove that conclusively. Therefore, this variant has been classified as Likely Pathogenic.

Literature cited by the submitters: PubMed 32778822; PubMed 25589632; PubMed 23975875; PubMed 27869827; PubMed 32964742.

NM_001267550.2(TTN):c.15775+1G>T

Gene: TTN (titin; minus strand). Cytogenetic location: 2q31.2.
Variant type: single nucleotide variant.
Coding change: c.15775+1G>T on transcript NM_001267550.2 (MANE Select); the canonical splice donor site of the intron after coding-DNA position 15775, G replaced by T.
Molecular consequence: splice donor variant. On other transcripts: intron variant (3).
Genome position (GRCh38, 1-based): chr2:178,733,613, C>A on the plus strand (G>T on the coding strand, the complement: TTN is on the minus strand). VCF-style: chr2-178733613-C-A. GRCh37 (hg19) VCF-style: chr2-179598340-C-A.
Other names: c.13282+4469G>T (NM_003319.4); c.13858+4469G>T (NM_133437.4); c.13657+4469G>T (NM_133432.3); c.12043+1G>T (NM_133378.4); c.14824+1G>T (NM_001256850.1).
Identifiers: ClinVar variation 4784093 (VCV004784093.1).